The following is an entry in ClinVar:

NM_000069.3(CACNA1S):c.1928T>C (p.Ile643Thr)

Gene: CACNA1S (calcium voltage-gated channel subunit alpha1 S; minus strand). Cytogenetic location: 1q32.1.
Variant type: single nucleotide variant.
Coding change: c.1928T>C on transcript NM_000069.3 (MANE Select); coding-DNA position 1928, T replaced by C.
Protein change: p.Ile643Thr; replaces isoleucine 643 with threonine.
Molecular consequence: missense variant.
Genome position (GRCh38, 1-based): chr1:201,075,515, A>G on the plus strand (T>C on the coding strand, the complement: CACNA1S is on the minus strand). VCF-style: chr1-201075515-A-G. GRCh37 (hg19) VCF-style: chr1-201044643-A-G.
Other names: short protein forms I643T.
Identifiers: ClinVar variation 3762879 (VCV003762879.2).
Genomic context (GRCh38, chr1:201,075,515, plus strand): 5'-TCCCTAAGCTCTTTTCTGCACCCTGCTCCCGAGAGGATACAGTTGCCACAGACGAAAAGG[A>G]TGATGAAGTAAATGCACACAAGCATGCCAGGGTAGGACGGCCCGCCGTAGGCCATGATCC-3'
Protein context (NP_000060.2, residues 633-653): PGMLVCIYFI[Ile643Thr]LFVCGNYILL

ClinVar aggregate classification (germline): Uncertain significance (1 of 4 stars; one submission).

Conditions:
Hypokalemic periodic paralysis, type 1. Also called: Hypokalemic Periodic Paralysis Type 1 (AD); HypoPP. Identifiers: Orphanet 681, MedGen C3714580, MONDO:0042979, OMIM 170400.
Malignant hyperthermia, susceptibility to, 5 (MHS5). Also called: CACNA1S-Related Malignant Hyperthermia Susceptibility. Identifiers: Orphanet 423, MedGen C1866077, MONDO:0011163, OMIM 601887.

Submission:

Labcorp Genetics (formerly Invitae), Labcorp
Classification: Uncertain significance for Hypokalemic periodic paralysis, type 1; Malignant hyperthermia, susceptibility to, 5. Last evaluated: 2024-09-24. Review status: criteria provided, single submitter. Criteria: Invitae Variant Classification Sherloc (09022015). Collection method: clinical testing. Allele origin: germline.
Comment: This sequence change replaces isoleucine, which is neutral and non-polar, with threonine, which is neutral and polar, at codon 643 of the CACNA1S protein (p.Ile643Thr). This variant is not present in population databases (gnomAD no frequency). This variant has not been reported in the literature in individuals affected with CACNA1S-related conditions. Invitae Evidence Modeling of protein sequence and biophysical properties (such as structural, functional, and spatial information, amino acid conservation, physicochemical variation, residue mobility, and thermodynamic stability) indicates that this missense variant is not expected to disrupt CACNA1S protein function with a negative predictive value of 80%. In summary, the available evidence is currently insufficient to determine the role of this variant in disease. Therefore, it has been classified as a Variant of Uncertain Significance.